The following is an entry in ClinVar:

NM_024426.6(WT1):c.767G>T (p.Gly256Val)

Gene: WT1 (WT1 transcription factor; minus strand). Cytogenetic location: 11p13.
Variant type: single nucleotide variant.
Coding change: c.767G>T on transcript NM_024426.6 (MANE Select); coding-DNA position 767, G replaced by T.
Protein change: p.Gly256Val; replaces glycine 256 with valine.
Molecular consequence: missense variant. On other transcripts: non-coding transcript variant (1).
Genome position (GRCh38, 1-based): chr11:32,428,514, C>A on the plus strand (G>T on the coding strand, the complement: WT1 is on the minus strand). VCF-style: chr11-32428514-C-A. GRCh37 (hg19) VCF-style: chr11-32450060-C-A.
Other names: c.767G>T, p.Gly256Val (NM_000378.6, NM_001407044.1, NM_001407045.1 and 4 more transcripts); c.116G>T, p.Gly39Val (NM_001198551.2, NM_001198552.2); c.5G>T, p.Gly2Val (NM_001407051.1); c.752G>T, p.Gly251Val (NM_024425.2); short protein forms G39V, G256V, G2V.
Identifiers: ClinVar variation 476720 (VCV000476720.10), dbSNP rs1554945190, ClinGen allele CA379963287.

ClinVar aggregate classification (germline): Uncertain significance (1 of 4 stars; one submission).

Conditions:
Wilms tumor 1 (WT1). Also called: Wilms tumor, somatic. Identifiers: Orphanet 654, MedGen CN033288, MONDO:0008679, OMIM 194070.
Drash syndrome (DDS). Also called: NEPHROPATHY, WILMS TUMOR, AND GENITAL ANOMALIES; WILMS TUMOR AND PSEUDO- OR TRUE HERMAPHRODITISM. Identifiers: Orphanet 220, MedGen C0950121, MONDO:0008682, OMIM 194080.
11p partial monosomy syndrome (WAGR). Also called: WAGR Spectrum Disorder; CHROMOSOME 11p13 DELETION SYNDROME; WAGR syndrome; WAGR Complex. Identifiers: Orphanet 893, MedGen C0206115, MONDO:0008681, OMIM 194072.
Frasier syndrome. Identifiers: Orphanet 347, MedGen C0950122, MeSH D052159, MONDO:0007635, OMIM 136680.

Submission:

Labcorp Genetics (formerly Invitae), Labcorp
Classification: Uncertain significance for Wilms tumor 1; Drash syndrome; 11p partial monosomy syndrome; Frasier syndrome. Last evaluated: 2020-04-07. Review status: criteria provided, single submitter. Criteria: Invitae Variant Classification Sherloc (09022015). Collection method: clinical testing. Allele origin: germline.
Comment: In summary, this variant is a novel missense change that is not predicted to affect protein function. There is no indication that it causes disease, but the available evidence is currently insufficient to prove that conclusively. Therefore, it has been classified as a Variant of Uncertain Significance. Algorithms developed to predict the effect of missense changes on protein structure and function (SIFT, PolyPhen-2, Align-GVGD) all suggest that this variant is likely to be tolerated, but these predictions have not been confirmed by published functional studies. This variant is not present in population databases (ExAC no frequency) and has not been reported in the literature in individuals with a WT1-related disease. This sequence change replaces glycine with valine at codon 251 of the WT1 protein (p.Gly251Val). The glycine residue is moderately conserved and there is a moderate physicochemical difference between glycine and valine.